The following is an entry in ClinVar:

NM_012200.4(B3GAT3):c.349C>T (p.Pro117Ser)

Gene: B3GAT3 (beta-1,3-glucuronyltransferase 3; minus strand). Cytogenetic location: 11q12.3.
Variant type: single nucleotide variant.
Coding change: c.349C>T on transcript NM_012200.4 (MANE Select); coding-DNA position 349, C replaced by T.
Protein change: p.Pro117Ser; replaces proline 117 with serine.
Molecular consequence: missense variant. On other transcripts: non-coding transcript variant (1).
Genome position (GRCh38, 1-based): chr11:62,617,256, G>A on the plus strand (C>T on the coding strand, the complement: B3GAT3 is on the minus strand). VCF-style: chr11-62617256-G-A. GRCh37 (hg19) VCF-style: chr11-62384728-G-A.
Other names: c.328C>T, p.Pro110Ser (NM_001288721.2); c.349C>T, p.Pro117Ser (NM_001288722.2, NM_001288723.2); short protein forms P110S, P117S.
Identifiers: ClinVar variation 1314529 (VCV001314529.3), dbSNP rs1259328603, ClinGen allele CA380977168.

ClinVar aggregate classification (germline): Uncertain significance. Review status: criteria provided, multiple submitters, no conflicts (2 of 4 stars). 2 submissions from 2 submitters: Uncertain significance (2). Last evaluated 2024-01-22.

Conditions:
Inborn genetic diseases. Identifiers: MedGen C0950123, MeSH D030342.

Allele frequency attached by ClinVar (database versions not stated): TOPMed below 0.00001.
gnomAD v4.1: 2 of 1,613,112 alleles (0.00012%); highest among the groups gnomAD compares: South Asian, 0.0022%; no homozygotes.

Submissions (2):

Ambry Genetics
Classification: Uncertain significance for Inborn genetic diseases. Last evaluated: 2024-01-22. Review status: criteria provided, single submitter. Criteria: Ambry Variant Classification Scheme 2023. Collection method: clinical testing. Allele origin: germline.

GeneDx
Classification: Uncertain significance. Last evaluated: 2021-04-07. Review status: criteria provided, single submitter. Criteria: GeneDx Variant Classification Process June 2021. Collection method: clinical testing. Allele origin: germline. Affected: yes.
Comment: Not observed in large population cohorts (Lek et al., 2016); In silico analysis supports that this missense variant does not alter protein structure/function; Has not been previously published as pathogenic or benign to our knowledge